The following is an entry in ClinVar:

NM_001378454.1(ALMS1):c.9812C>A (p.Ser3271Tyr)

Gene: ALMS1 (ALMS1 centrosome and basal body associated protein; plus strand). Cytogenetic location: 2p13.1.
Variant type: single nucleotide variant.
Coding change: c.9812C>A on transcript NM_001378454.1 (MANE Select); coding-DNA position 9812, C replaced by A.
Protein change: p.Ser3271Tyr; replaces serine 3271 with tyrosine.
Molecular consequence: missense variant.
Genome position (GRCh38, 1-based): chr2:73,534,854, C>A. VCF-style: chr2-73534854-C-A. GRCh37 (hg19) VCF-style: chr2-73761981-C-A.
Other names: c.9815C>A, p.Ser3272Tyr (NM_015120.4); short protein forms S3271Y, S3272Y.
Identifiers: ClinVar variation 2449598 (VCV002449598.2), dbSNP rs2466340013, ClinGen allele CA347263609.

ClinVar aggregate classification (germline): Uncertain significance (1 of 4 stars; one submission).

Conditions:
Cardiovascular phenotype. Identifiers: MedGen CN230736.

Submission:

Ambry Genetics
Classification: Uncertain significance for Cardiovascular phenotype. Last evaluated: 2023-02-08. Review status: criteria provided, single submitter. Criteria: Ambry Variant Classification Scheme 2023. Collection method: clinical testing. Allele origin: germline.
Comment: The p.S3272Y variant (also known as c.9815C>A), located in coding exon 12 of the ALMS1 gene, results from a C to A substitution at nucleotide position 9815. The serine at codon 3272 is replaced by tyrosine, an amino acid with dissimilar properties. This amino acid position is well conserved in available vertebrate species. In addition, the in silico prediction for this alteration is inconclusive. Since supporting evidence is limited at this time, the clinical significance of this alteration remains unclear.